The following is an entry in ClinVar:

ClinVar aggregate classification (germline): Uncertain significance. Review status: criteria provided, multiple submitters, no conflicts (2 of 4 stars). 2 submissions from 2 submitters: Uncertain significance (2). Last evaluated 2024-04-20.

Conditions:
Inborn genetic diseases. Identifiers: MedGen C0950123, MeSH D030342.

Allele frequency attached by ClinVar (database versions not stated): gnomAD exomes 0.00001; ExAC 0.00002; TOPMed 0.00002; gnomAD 0.00003.

Submissions (2):

Ambry Genetics
Classification: Uncertain significance for Inborn genetic diseases. Last evaluated: 2024-04-20. Review status: criteria provided, single submitter. Criteria: Ambry Variant Classification Scheme 2023. Collection method: clinical testing. Allele origin: germline.

Labcorp Genetics (formerly Invitae), Labcorp
Classification: Uncertain significance. Last evaluated: 2022-08-22. Review status: criteria provided, single submitter. Criteria: Invitae Variant Classification Sherloc (09022015). Collection method: clinical testing. Allele origin: germline.
Comment: This sequence change replaces glycine, which is neutral and non-polar, with arginine, which is basic and polar, at codon 95 of the TACO1 protein (p.Gly95Arg). This variant is present in population databases (rs753629510, gnomAD 0.003%). This variant has not been reported in the literature in individuals affected with TACO1-related conditions. Algorithms developed to predict the effect of missense changes on protein structure and function (SIFT, PolyPhen-2, Align-GVGD) all suggest that this variant is likely to be disruptive. Algorithms developed to predict the effect of sequence changes on RNA splicing suggest that this variant may disrupt the consensus splice site. In summary, the available evidence is currently insufficient to determine the role of this variant in disease. Therefore, it has been classified as a Variant of Uncertain Significance.

NM_016360.4(TACO1):c.283G>A (p.Gly95Arg)

Gene: TACO1 (translational activator of cytochrome c oxidase I; plus strand). Cytogenetic location: 17q23.3.
Variant type: single nucleotide variant.
Coding change: c.283G>A on transcript NM_016360.4 (MANE Select); coding-DNA position 283, G replaced by A.
Protein change: p.Gly95Arg; replaces glycine 95 with arginine.
Molecular consequence: missense variant.
Genome position (GRCh38, 1-based): chr17:63,604,536, G>A. VCF-style: chr17-63604536-G-A. GRCh37 (hg19) VCF-style: chr17-61681896-G-A.
Other names: c.283G>A (NM_016360.3); short protein forms G95R.
Identifiers: ClinVar variation 1901159 (VCV001901159.3), dbSNP rs753629510, ClinGen allele CA8702094.